The following is an entry in ClinVar:

NM_000182.5(HADHA):c.713A>C (p.Glu238Ala)

Gene: HADHA (hydroxyacyl-CoA dehydrogenase trifunctional multienzyme complex subunit alpha; minus strand). Cytogenetic location: 2p23.3.
Variant type: single nucleotide variant.
Coding change: c.713A>C on transcript NM_000182.5 (MANE Select); coding-DNA position 713, A replaced by C.
Protein change: p.Glu238Ala; replaces glutamic acid 238 with alanine.
Molecular consequence: missense variant.
Genome position (GRCh38, 1-based): chr2:26,215,139, T>G on the plus strand (A>C on the coding strand, the complement: HADHA is on the minus strand). VCF-style: chr2-26215139-T-G. GRCh37 (hg19) VCF-style: chr2-26438008-T-G.
Other names: short protein forms E238A.
Identifiers: ClinVar variation 1978664 (VCV001978664.4), dbSNP rs777201797, ClinGen allele CA1559803.

ClinVar aggregate classification (germline): Uncertain significance (1 of 4 stars; one submission).

Conditions:
Long chain 3-hydroxyacyl-CoA dehydrogenase deficiency. Also called: Deficiency of long-chain 3-hydroxyacyl-coenzyme A dehydrogenase; LCHAD Deficiency. Identifiers: Orphanet 5, MedGen C3711645, MONDO:0012173, OMIM 609016.
Mitochondrial trifunctional protein deficiency. Identifiers: Orphanet 746, MedGen C1969443, MONDO:0012172.

Allele frequency attached by ClinVar (database versions not stated): gnomAD exomes below 0.00001; ExAC 0.00001.
gnomAD v4.1: 1 of 1,609,824 alleles (0.000062%); highest among the groups gnomAD compares: South Asian, 0.0011%; no homozygotes.

Submission:

Labcorp Genetics (formerly Invitae), Labcorp
Classification: Uncertain significance for Mitochondrial trifunctional protein deficiency; Long chain 3-hydroxyacyl-CoA dehydrogenase deficiency. Last evaluated: 2023-07-30. Review status: criteria provided, single submitter. Criteria: Invitae Variant Classification Sherloc (09022015). Collection method: clinical testing. Allele origin: germline.
Comment: In summary, the available evidence is currently insufficient to determine the role of this variant in disease. Therefore, it has been classified as a Variant of Uncertain Significance. Advanced modeling of protein sequence and biophysical properties (such as structural, functional, and spatial information, amino acid conservation, physicochemical variation, residue mobility, and thermodynamic stability) performed at Invitae indicates that this missense variant is not expected to disrupt HADHA protein function. ClinVar contains an entry for this variant (Variation ID: 1978664). This variant has not been reported in the literature in individuals affected with HADHA-related conditions. This variant is present in population databases (rs777201797, gnomAD 0.003%). This sequence change replaces glutamic acid, which is acidic and polar, with alanine, which is neutral and non-polar, at codon 238 of the HADHA protein (p.Glu238Ala).